The following is an entry in ClinVar:

NM_000256.3(MYBPC3):c.2916G>T (p.Arg972=)

Gene: MYBPC3 (myosin binding protein C3; minus strand). Cytogenetic location: 11p11.2.
Variant type: single nucleotide variant.
Coding change: c.2916G>T on transcript NM_000256.3 (MANE Select); coding-DNA position 2916, G replaced by T.
Protein change: p.Arg972=; no amino-acid change (arginine 972 retained).
Molecular consequence: synonymous variant.
Genome position (GRCh38, 1-based): chr11:47,334,000, C>A on the plus strand (G>T on the coding strand, the complement: MYBPC3 is on the minus strand). VCF-style: chr11-47334000-C-A. GRCh37 (hg19) VCF-style: chr11-47355551-C-A.
Identifiers: ClinVar variation 2758842 (VCV002758842.17), dbSNP rs2495742846, ClinGen allele CA474429237.

ClinVar aggregate classification (germline): Likely benign. Review status: criteria provided, multiple submitters, no conflicts (2 of 4 stars). 3 submissions from 3 submitters: Likely benign (3). Last evaluated 2026-06-18.

Conditions:
Hypertrophic cardiomyopathy. Also called: HYPERTROPHIC MYOCARDIOPATHY. Identifiers: Orphanet 217569, MedGen C0007194, MeSH D002312, MONDO:0005045, HP:0001639.
Cardiovascular phenotype. Identifiers: MedGen CN230736.

Allele frequency attached by ClinVar (database versions not stated): gnomAD exomes below 0.00001.
gnomAD v4.1: 1 of 1,577,610 alleles (0.000063%); highest among the groups gnomAD compares: Non-Finnish European, 0.000086%; no homozygotes.

Submissions (3):

Ambry Genetics
Classification: Likely benign for Cardiovascular phenotype. Last evaluated: 2026-06-18. Review status: criteria provided, single submitter. Criteria: Ambry Variant Classification Scheme 2023. Collection method: clinical testing. Allele origin: germline.

CeGaT Center for Human Genetics Tuebingen
Classification: Likely benign. Last evaluated: 2024-12-01. Review status: criteria provided, single submitter. Criteria: CeGaT Center For Human Genetics Tuebingen Variant Classification Criteria Version 2. Collection method: clinical testing. Allele origin: germline. Affected: yes. Observed: 1 variant allele.
Comment: MYBPC3: BP4

Labcorp Genetics (formerly Invitae), Labcorp
Classification: Likely benign for Hypertrophic cardiomyopathy. Last evaluated: 2023-10-17. Review status: criteria provided, single submitter. Criteria: Invitae Variant Classification Sherloc (09022015). Collection method: clinical testing. Allele origin: germline.